The following is an entry in ClinVar:

NM_003177.7(SYK):c.1338G>A (p.Leu446=)

Gene: SYK (spleen associated tyrosine kinase; plus strand). Cytogenetic location: 9q22.2.
Variant type: single nucleotide variant.
Coding change: c.1338G>A on transcript NM_003177.7 (MANE Select); coding-DNA position 1338, G replaced by A.
Protein change: p.Leu446=; no amino-acid change (leucine 446 retained).
Molecular consequence: synonymous variant.
Genome position (GRCh38, 1-based): chr9:90,877,727, G>A. VCF-style: chr9-90877727-G-A. GRCh37 (hg19) VCF-style: chr9-93640009-G-A.
Other names: p.Leu446=; c.1269G>A, p.Leu423= (NM_001135052.4, NM_001174168.3); c.1338G>A, p.Leu446= (NM_001174167.3).
Identifiers: ClinVar variation 2688054 (VCV002688054.4), dbSNP rs2290887, ClinGen allele CA5119472.

ClinVar aggregate classification (germline): Benign. Review status: criteria provided, multiple submitters, no conflicts (2 of 4 stars). 3 submissions from 3 submitters: Benign (3). Last evaluated 2026-01-21.

Allele frequency attached by ClinVar (database versions not stated): ESP Exome Variant Server 0.16477; 1000 Genomes Project 0.19609; TOPMed 0.19718; 1000 Genomes Project 30x 0.19785.
gnomAD v4.1: 253,736 of 1,613,990 alleles (16%); highest among the groups gnomAD compares: Admixed American, 38%; 22,593 homozygotes.

Submissions (3):

Women's Health and Genetics/Laboratory Corporation of America, LabCorp
Classification: Benign. Last evaluated: 2026-01-21. Review status: criteria provided, single submitter. Criteria: LabCorp Variant Classification Summary - May 2015. Collection method: clinical testing. Allele origin: germline.

Unidad de Genómica Garrahan, Hospital de Pediatría Garrahan
Classification: Benign. Last evaluated: 2024-01-24. Review status: criteria provided, single submitter. Criteria: ACMG Guidelines, 2015. Collection method: clinical testing. Allele origin: germline. Affected: no. Observed: 60 variant alleles.
Comment: This variant is classified as Benign based on local population frequency. This variant was detected in 63% of patients studied by a panel of primary immunodeficiencies. Number of patients: 60. Only high quality variants are reported.

Mayo Clinic Laboratories, Mayo Clinic
Classification: Benign. Last evaluated: 2022-09-06. Review status: criteria provided, single submitter. Criteria: ACMG Guidelines, 2015. Collection method: clinical testing. Allele origin: germline. Observed: 16 variant alleles.